The following is an entry in ClinVar:

NM_005546.4(ITK):c.1492G>T (p.Val498Leu)

Gene: ITK (IL2 inducible T cell kinase; plus strand). Cytogenetic location: 5q33.3.
Variant type: single nucleotide variant.
Coding change: c.1492G>T on transcript NM_005546.4 (MANE Select); coding-DNA position 1492, G replaced by T.
Protein change: p.Val498Leu; replaces valine 498 with leucine.
Molecular consequence: missense variant.
Genome position (GRCh38, 1-based): chr5:157,245,768, G>T. VCF-style: chr5-157245768-G-T. GRCh37 (hg19) VCF-style: chr5-156672778-G-T.
Other names: short protein forms V498L.
Identifiers: ClinVar variation 473141 (VCV000473141.8), dbSNP rs758820629, ClinGen allele CA3533101.

ClinVar aggregate classification (germline): Uncertain significance. Review status: criteria provided, multiple submitters, no conflicts (2 of 4 stars). 2 submissions from 2 submitters: Uncertain significance (2). Last evaluated 2025-07-02.

Conditions:
Lymphoproliferative syndrome 1 (LPFS1). Identifiers: Orphanet 238505, Orphanet 538963, MedGen C3552634, MONDO:0013081, OMIM 613011.
Inborn genetic diseases. Identifiers: MedGen C0950123, MeSH D030342.

Allele frequency attached by ClinVar (database versions not stated): ExAC 0.00001; gnomAD 0.00002; gnomAD exomes 0.00003 and 0.00005; TOPMed 0.00004.
gnomAD v4.1: 72 of 1,614,040 alleles (0.0045%); highest among the groups gnomAD compares: Non-Finnish European, 0.0059%; no homozygotes.

Submissions (2):

Ambry Genetics
Classification: Uncertain significance for Inborn genetic diseases. Last evaluated: 2025-07-02. Review status: criteria provided, single submitter. Criteria: Ambry Variant Classification Scheme 2023. Collection method: clinical testing. Allele origin: germline.

Labcorp Genetics (formerly Invitae), Labcorp
Classification: Uncertain significance for Lymphoproliferative syndrome 1. Last evaluated: 2024-02-24. Review status: criteria provided, single submitter. Criteria: Invitae Variant Classification Sherloc (09022015). Collection method: clinical testing. Allele origin: germline.
Comment: This sequence change replaces valine, which is neutral and non-polar, with leucine, which is neutral and non-polar, at codon 498 of the ITK protein (p.Val498Leu). This variant is present in population databases (rs758820629, gnomAD 0.008%). This variant has not been reported in the literature in individuals affected with ITK-related conditions. ClinVar contains an entry for this variant (Variation ID: 473141). Advanced modeling of protein sequence and biophysical properties (such as structural, functional, and spatial information, amino acid conservation, physicochemical variation, residue mobility, and thermodynamic stability) performed at Invitae indicates that this missense variant is expected to disrupt ITK protein function with a positive predictive value of 80%. In summary, the available evidence is currently insufficient to determine the role of this variant in disease. Therefore, it has been classified as a Variant of Uncertain Significance.